The following is an entry in ClinVar:

ClinVar aggregate classification (germline): Uncertain significance (1 of 4 stars; one submission).

Conditions:
Inborn genetic diseases. Identifiers: MedGen C0950123, MeSH D030342.

Submission:

Ambry Genetics
Classification: Uncertain significance for Inborn genetic diseases. Last evaluated: 2026-07-23. Review status: criteria provided, single submitter. Criteria: Ambry Variant Classification Scheme 2023. Collection method: clinical testing. Allele origin: germline.
Comment: The p.Q73R variant (also known as c.218A>G), located in coding exon 2 of the MBD4 gene, results from an A to G substitution at nucleotide position 218. The glutamine at codon 73 is replaced by arginine, an amino acid with highly similar properties. This amino acid position is conserved. In addition, this alteration is predicted to be tolerated by in silico analysis. Based on the available evidence, the clinical significance of this variant remains unclear.

NM_001276270.2(MBD4):c.218A>G (p.Gln73Arg)

Gene: MBD4 (methyl-CpG binding domain 4, DNA glycosylase; minus strand). Cytogenetic location: 3q21.3.
Variant type: single nucleotide variant.
Coding change: c.218A>G on transcript NM_001276270.2 (MANE Select); coding-DNA position 218, A replaced by G.
Protein change: p.Gln73Arg; replaces glutamine 73 with arginine.
Molecular consequence: missense variant.
Genome position (GRCh38, 1-based): chr3:129,437,837, T>C on the plus strand (A>G on the coding strand, the complement: MBD4 is on the minus strand). VCF-style: chr3-129437837-T-C. GRCh37 (hg19) VCF-style: chr3-129156680-T-C.
Other names: c.218A>G, p.Gln73Arg (NM_001276271.2, NM_001276272.2, NM_001276273.2 and 1 more transcripts); short protein forms Q73R.
Identifiers: ClinVar variation 5024027 (VCV005024027.1).